The following is an entry in ClinVar:

NM_006393.3(NEBL):c.463A>G (p.Asn155Asp)

Gene: NEBL (nebulette; minus strand). Cytogenetic location: 10p12.31.
Variant type: single nucleotide variant.
Coding change: c.463A>G on transcript NM_006393.3 (MANE Select); coding-DNA position 463, A replaced by G.
Protein change: p.Asn155Asp; replaces asparagine 155 with aspartic acid.
Molecular consequence: missense variant. On other transcripts: intron variant (9).
Genome position (GRCh38, 1-based): chr10:20,880,811, T>C on the plus strand (A>G on the coding strand, the complement: NEBL is on the minus strand). VCF-style: chr10-20880811-T-C. GRCh37 (hg19) VCF-style: chr10-21169740-T-C.
Other names: c.250-67871A>G (NM_001377326.1, NM_001377327.1, NM_001377328.1); c.358-67871A>G (NM_213569.2, NM_001173484.2, NM_001377322.1); c.301-67871A>G (NM_001377324.1); c.292-67871A>G (NM_001377325.1); c.310-67871A>G (NM_001377323.1); short protein forms N155D.
Identifiers: ClinVar variation 1373096 (VCV001373096.10), dbSNP rs1344682606, ClinGen allele CA376104446.

ClinVar aggregate classification (germline): Uncertain significance. Review status: criteria provided, multiple submitters, no conflicts (2 of 4 stars). 2 submissions from 2 submitters: Uncertain significance (2). Last evaluated 2022-08-29.

Conditions:
Primary dilated cardiomyopathy (DCM). Also called: Dilated Cardiomyopathy. Identifiers: Orphanet 217604, MedGen C0007193, MeSH D002311, MONDO:0005021, HP:0001644. Inheritance: Various modes of inheritance.

Allele frequency attached by ClinVar (database versions not stated): gnomAD exomes below 0.00001; TOPMed below 0.00001; gnomAD 0.00001.
gnomAD v4.1: 3 of 1,612,836 alleles (0.00019%); highest among the groups gnomAD compares: African/African-American, 0.004%; no homozygotes.

Submissions (2):

Ambry Genetics
Classification: Uncertain significance. Last evaluated: 2022-08-29. Review status: criteria provided, single submitter. Criteria: Ambry Variant Classification Scheme 2023. Collection method: clinical testing. Allele origin: germline.
Comment: The p.N155D variant (also known as c.463A>G), located in coding exon 5 of the NEBL gene, results from an A to G substitution at nucleotide position 463. The asparagine at codon 155 is replaced by aspartic acid, an amino acid with highly similar properties. This amino acid position is conserved. In addition, this alteration is predicted to be tolerated by in silico analysis. Since supporting evidence is limited at this time, the clinical significance of this alteration remains unclear.

Labcorp Genetics (formerly Invitae), Labcorp
Classification: Uncertain significance for Primary dilated cardiomyopathy. Last evaluated: 2022-02-12. Review status: criteria provided, single submitter. Criteria: Invitae Variant Classification Sherloc (09022015). Collection method: clinical testing. Allele origin: germline.
Comment: In summary, the available evidence is currently insufficient to determine the role of this variant in disease. Therefore, it has been classified as a Variant of Uncertain Significance. Algorithms developed to predict the effect of missense changes on protein structure and function (SIFT, PolyPhen-2, Align-GVGD) all suggest that this variant is likely to be tolerated. This variant has not been reported in the literature in individuals affected with NEBL-related conditions. This variant is present in population databases (no rsID available, gnomAD 0.01%). This sequence change replaces asparagine, which is neutral and polar, with aspartic acid, which is acidic and polar, at codon 155 of the NEBL protein (p.Asn155Asp).